The following is an entry in ClinVar:

ClinVar aggregate classification (germline): Benign. Review status: reviewed by expert panel (3 of 4 stars). 6 submissions from 5 submitters: Benign (1). 5 of the submissions do not count toward it. Last evaluated 2024-08-07.

Conditions:
RYR1-related myopathy. Identifiers: Orphanet 98742, MedGen CN305348, MONDO:0100150.
Congenital multicore myopathy with external ophthalmoplegia (CMYO1B). Also called: MULTICORE MYOPATHY; Minicore myopathy with external ophthalmoplegia; Congenital myopathy 1B, autosomal recessive; Minicore myopathy; MULTIMINICORE DISEASE WITH EXTERNAL OPHTHALMOPLEGIA. Identifiers: Orphanet 598, Orphanet 98905, MedGen C1850674, MONDO:0009712, OMIM 255320, HP:0003789.
Malignant hyperthermia, susceptibility to, 1 (MHS1). Also called: RYR1-Related Malignant Hyperthermia Susceptibility; Malignant hyperthermia suceptibility 1; Anesthesia related hyperthermia; Malignant hyperpyrexia; Fulminating hyperpyrexia; Pharmacogenic myopathy. Identifiers: Orphanet 423, MedGen C2930980, MONDO:0007783, OMIM 145600.

Allele frequency attached by ClinVar (database versions not stated): gnomAD 0.04189 and 0.04408; TOPMed 0.04643; 1000 Genomes Project 0.05112; 1000 Genomes Project 30x 0.05434.
gnomAD v4.1: 11,937 of 808,106 alleles (1.5%); highest among the groups gnomAD compares: African/African-American, 14%; 684 homozygotes.

Submissions (6):

ClinGen Congenital Myopathies Variant Curation Expert Panel, ClinGen
Classification: Benign for RYR1-related myopathy. Last evaluated: 2024-08-07. Review status: reviewed by expert panel. Criteria: ClinGen CongenMyopathy ACMG Specifications RYR1 AR V1.0.0. Collection method: curation. Allele origin: germline. Inheritance: Autosomal unknown.
Comment: The NM_000540.3:c.-108T>C variant is located in exon 1 (5’ UTR) of the RYR1 gene. The filtering allele frequency (the lower threshold of the 95% CI of 8126/59394, 618 homozygotes) of the c.-108T>C variant in RYR1 is 0.1297 for African/African American chromosomes by gnomAD v4.1, which is higher than the ClinGen Congenital Myopathies VCEP threshold (≥0.00697) for BA1, and therefore meets this criterion (BA1). This variant is not predicted to impact splicing by SpliceAI. In addition, it occurs at a nucleotide that is poorly conserved as shown by the UCSC Genome Browser (BP4, BP7). In summary, the variant meets the criteria to be classified as benign for RYR1-related myopathy. ACMG/AMP criteria met, as specified by the ClinGen Congenital Myopathies VCEP: BA1, BP4, BP7 (ClinGen Congenital Myopathies VCEP specifications version 1; 8/7/2024).

GeneDx
Classification: Benign. Last evaluated: 2018-06-28. Review status: criteria provided, single submitter. Criteria: GeneDx Variant Classification Process June 2021. Collection method: clinical testing. Allele origin: germline. Affected: yes. Not counted in ClinVar's aggregate classification.

Illumina Laboratory Services, Illumina
Classification: Benign for Malignant hyperthermia, susceptibility to, 1. Last evaluated: 2018-01-13. Review status: criteria provided, single submitter. Criteria: ICSL Variant Classification Criteria 13 December 2019. Collection method: clinical testing. Allele origin: germline. Not counted in ClinVar's aggregate classification.
Comment: This variant was observed in the ICSL laboratory as part of a predisposition screen in an ostensibly healthy population. It had not been previously curated by ICSL or reported in the Human Gene Mutation Database (HGMD: prior to June 1st, 2018), and was therefore a candidate for classification through an automated scoring system. Utilizing variant allele frequency, disease prevalence and penetrance estimates, and inheritance mode, an automated score was calculated to assess if this variant is too frequent to cause the disease. Based on the score and internal cut-off values, a variant classified as benign is not then subjected to further curation. The score for this variant resulted in a classification of benign for this disease.

Illumina Laboratory Services, Illumina
Classification: Benign for Congenital multicore myopathy with external ophthalmoplegia. Last evaluated: 2018-01-13. Review status: criteria provided, single submitter. Criteria: ICSL Variant Classification Criteria 13 December 2019. Collection method: clinical testing. Allele origin: germline. Not counted in ClinVar's aggregate classification.
Comment: the same text as in the submission from Illumina Laboratory Services, Illumina above.

Breakthrough Genomics
Classification: Benign. Review status: criteria provided, single submitter. Criteria: ACMG Guidelines, 2015. Collection method: not provided. Allele origin: germline. Inheritance: Autosomal recessive inheritance. Affected: yes. Not counted in ClinVar's aggregate classification.

RYR1 database
No classification provided. Review status: no classification provided. Collection method: not provided. Allele origin: unknown. Not counted in ClinVar's aggregate classification.

NM_000540.3(RYR1):c.-108T>C

Gene: RYR1 (ryanodine receptor 1; plus strand). Cytogenetic location: 19q13.2.
Variant type: single nucleotide variant.
Coding change: c.-108T>C on transcript NM_000540.3 (MANE Select); 108 bases upstream of the start codon, T replaced by C.
Molecular consequence: 5 prime UTR variant.
Genome position (GRCh38, 1-based): chr19:38,433,722, T>C. VCF-style: chr19-38433722-T-C. GRCh37 (hg19) VCF-style: chr19-38924362-T-C.
Other names: c.-108T>C (NM_001042723.2).
Identifiers: ClinVar variation 132987 (VCV000132987.9), dbSNP rs4632259, ClinGen allele CA023868.